The following is an entry in ClinVar:

ClinVar aggregate classification (germline): Pathogenic. Review status: no assertion criteria provided (0 of 4 stars). 2 submissions from 2 submitters: Pathogenic (1). 1 of the submissions does not count toward it. Last evaluated 2008-07-01.

Conditions:
Familial long QT syndrome (RWS). Also called: Romano-Ward syndrome; VENTRICULAR FIBRILLATION WITH PROLONGED QT INTERVAL; Congenital long QT syndrome. Identifiers: Orphanet 768, MedGen C1141890, MONDO:0019171.
Long QT syndrome 2 (LQT2). Identifiers: Orphanet 101016, Orphanet 768, MedGen C3150943, MONDO:0013367, OMIM 613688.

Submissions (2):

OMIM
Classification: Pathogenic for LONG QT SYNDROME 2. Last evaluated: 2008-07-01. Review status: no assertion criteria provided. Collection method: literature only. Allele origin: germline.

Cardiovascular Biomedical Research Unit, Royal Brompton & Harefield NHS Foundation Trust
No classification provided. Condition: Familial long QT syndrome. Review status: no classification provided. Collection method: literature only. Allele origin: germline. Not counted in ClinVar's aggregate classification.
Comment: This variant has been reported as associated with Long QT syndrome in the following publications (PMID:10220144;PMID:19841300). This is a literature report, and does not necessarily reflect the clinical interpretation of the Imperial College / Royal Brompton Cardiovascular Genetics laboratory.

Literature cited by the submitters: PubMed 10220144 (cited by OMIM and Cardiovascular Biomedical Research Unit, Royal Brompton & Harefield NHS Foundation Trust); PubMed 18551196 (cited by OMIM); PubMed 19841300 (cited by Cardiovascular Biomedical Research Unit, Royal Brompton & Harefield NHS Foundation Trust); PubMed 22581653 (cited by Cardiovascular Biomedical Research Unit, Royal Brompton & Harefield NHS Foundation Trust).

NM_000238.4(KCNH2):c.1672G>C (p.Ala558Pro)

Gene: KCNH2 (potassium voltage-gated channel subfamily H member 2; minus strand). Cytogenetic location: 7q36.1.
Variant type: single nucleotide variant.
Coding change: c.1672G>C on transcript NM_000238.4 (MANE Select); coding-DNA position 1672, G replaced by C.
Protein change: p.Ala558Pro; replaces alanine 558 with proline.
Molecular consequence: missense variant.
Genome position (GRCh38, 1-based): chr7:150,951,721, C>G on the plus strand (G>C on the coding strand, the complement: KCNH2 is on the minus strand). VCF-style: chr7-150951721-C-G. GRCh37 (hg19) VCF-style: chr7-150648809-C-G.
Other names: c.652G>C, p.Ala218Pro (NM_001204798.2, NM_172057.3); c.1384G>C, p.Ala462Pro (NM_001406753.1, NM_001406756.1); c.1495G>C, p.Ala499Pro (NM_001406755.1); c.1372G>C, p.Ala458Pro (NM_001406757.1); c.1672G>C, p.Ala558Pro (NM_172056.3); c.1672G>C (LRG_288t1); short protein forms A558P, A218P, A458P, A462P, A499P.
Identifiers: ClinVar variation 14444 (VCV000014444.3), dbSNP rs121912516, ClinGen allele CA004968.